The following is an entry in ClinVar:

NM_006031.6(PCNT):c.2545G>A (p.Gly849Arg)

Gene: PCNT (pericentrin; plus strand). Cytogenetic location: 21q22.3.
Variant type: single nucleotide variant.
Coding change: c.2545G>A on transcript NM_006031.6 (MANE Select); coding-DNA position 2545, G replaced by A.
Protein change: p.Gly849Arg; replaces glycine 849 with arginine.
Molecular consequence: missense variant.
Genome position (GRCh38, 1-based): chr21:46,363,870, G>A. VCF-style: chr21-46363870-G-A. GRCh37 (hg19) VCF-style: chr21-47783785-G-A.
Other names: c.2191G>A, p.Gly731Arg (NM_001315529.2); short protein forms G849R, G731R.
Identifiers: ClinVar variation 436185 (VCV000436185.14), dbSNP rs776223654, ClinGen allele CA10079002.
Genomic context (GRCh38, chr21:46,363,870, plus strand): 5'-ACTTCAGACGACGCCCTGCATTGCAGCCAGTGTGGGCGGGAGCCGCCCACAGCCCAGGAC[G>A]GGGAGCTTGCTGCGCTCCACGTGAAGGAAGACTGCGCCCTGCAGCTGATGCTGGCCCGGA-3'
Protein context (NP_006022.3, residues 839-859): CGREPPTAQD[Gly849Arg]ELAALHVKED

ClinVar aggregate classification (germline): Uncertain significance. Review status: criteria provided, multiple submitters, no conflicts (2 of 4 stars). 4 submissions from 4 submitters: Uncertain significance (4). Last evaluated 2026-04-21.

Conditions:
PCNT-related disorder. Also called: PCNT-related condition.
Microcephalic osteodysplastic primordial dwarfism type II (MOPD2). Also called: OSTEODYSPLASTIC PRIMORDIAL DWARFISM, TYPE II; Microcephalic osteodysplastic primordial dwarfism with tooth abnormalities; MOPD II. Identifiers: Orphanet 2637, MedGen C0432246, MONDO:0008872, OMIM 210720.

Allele frequency attached by ClinVar (database versions not stated): ExAC 0.00001; gnomAD 0.00005 and 0.00006; TOPMed 0.00015.
gnomAD v4.1: 48 of 1,612,292 alleles (0.003%); highest among the groups gnomAD compares: Admixed American, 0.023%; no homozygotes.

Submissions (4):

PreventionGenetics, part of Exact Sciences
Classification: Uncertain significance for PCNT-related condition. Last evaluated: 2026-04-21. Review status: criteria provided, single submitter. Criteria: ACMG Guidelines, 2015. Collection method: clinical testing. Allele origin: germline.
Comment: The PCNT c.2545G>A variant is predicted to result in the amino acid substitution p.Gly849Arg. To our knowledge, this variant has not been reported in the literature. This variant is reported in 0.0033% of alleles in individuals of South Asian descent in gnomAD. At this time, the clinical significance of this variant is uncertain due to the absence of conclusive functional and genetic evidence.

Labcorp Genetics (formerly Invitae), Labcorp
Classification: Uncertain significance. Last evaluated: 2024-11-19. Review status: criteria provided, single submitter. Criteria: Invitae Variant Classification Sherloc (09022015). Collection method: clinical testing. Allele origin: germline.
Comment: This sequence change replaces glycine, which is neutral and non-polar, with arginine, which is basic and polar, at codon 849 of the PCNT protein (p.Gly849Arg). This variant is present in population databases (rs776223654, gnomAD 0.006%). This variant has not been reported in the literature in individuals affected with PCNT-related conditions. ClinVar contains an entry for this variant (Variation ID: 436185). An algorithm developed to predict the effect of missense changes on protein structure and function outputs the following: PolyPhen-2: "Probably Damaging". The arginine amino acid residue is found in multiple mammalian species, which suggests that this missense change does not adversely affect protein function. In summary, the available evidence is currently insufficient to determine the role of this variant in disease. Therefore, it has been classified as a Variant of Uncertain Significance.

Illumina Laboratory Services, Illumina
Classification: Uncertain significance for Microcephalic osteodysplastic primordial dwarfism type II. Last evaluated: 2018-01-13. Review status: criteria provided, single submitter. Criteria: ICSL Variant Classification Criteria 13 December 2019. Collection method: clinical testing. Allele origin: germline.

Genetic Services Laboratory, University of Chicago
Classification: Uncertain significance. Last evaluated: 2016-04-08. Review status: criteria provided, single submitter. Criteria: ACMG Guidelines, 2015. Collection method: clinical testing. Allele origin: germline. Affected: no.